The following is an entry in ClinVar:

ClinVar aggregate classification (germline): Uncertain significance (1 of 4 stars; one submission).

gnomAD v4.1: 7 of 1,609,294 alleles (0.00043%); highest among the groups gnomAD compares: Non-Finnish European, 0.00059%; no homozygotes.

Submission:

Labcorp Genetics (formerly Invitae), Labcorp
Classification: Uncertain significance. Last evaluated: 2026-01-21. Review status: criteria provided, single submitter. Criteria: Invitae Variant Classification Sherloc (09022015). Collection method: clinical testing. Allele origin: germline.
Comment: This sequence change replaces valine, which is neutral and non-polar, with alanine, which is neutral and non-polar, at codon 717 of the KLB protein (p.Val717Ala). This variant is present in population databases (no rsID available, gnomAD 0.007%). This variant has not been reported in the literature in individuals affected with KLB-related conditions. Invitae Evidence Modeling of protein sequence and biophysical properties (such as structural, functional, and spatial information, amino acid conservation, physicochemical variation, residue mobility, and thermodynamic stability) has been performed for this missense variant. However, the output from this modeling did not meet the statistical confidence thresholds required to predict the impact of this variant on KLB protein function. In summary, the available evidence is currently insufficient to determine the role of this variant in disease. Therefore, it has been classified as a Variant of Uncertain Significance.

NM_175737.4(KLB):c.2150T>C (p.Val717Ala)

Gene: KLB (klotho beta; plus strand). Cytogenetic location: 4p14.
Variant type: single nucleotide variant.
Coding change: c.2150T>C on transcript NM_175737.4 (MANE Select); coding-DNA position 2150, T replaced by C.
Protein change: p.Val717Ala; replaces valine 717 with alanine.
Molecular consequence: missense variant.
Genome position (GRCh38, 1-based): chr4:39,446,876, T>C. VCF-style: chr4-39446876-T-C. GRCh37 (hg19) VCF-style: chr4-39448496-T-C.
Other names: short protein forms V717A.
Identifiers: ClinVar variation 4772389 (VCV004772389.1).